The following is an entry in ClinVar:

ClinVar aggregate classification (germline): Uncertain significance. Review status: criteria provided, multiple submitters, no conflicts (2 of 4 stars). 2 submissions from 2 submitters: Uncertain significance (2). Last evaluated 2025-07-13.

Conditions:
Glanzmann thrombasthenia. Also called: Glanzmann's thrombasthenia; BLEEDING DISORDER, PLATELET-TYPE, 2; THROMBASTHENIA OF GLANZMANN AND NAEGELI; PLATELET GLYCOPROTEIN IIb-IIIa DEFICIENCY; Thrombasthenia. Identifiers: Orphanet 849, MedGen C0040015, MONDO:0100326.
Inborn genetic diseases. Identifiers: MedGen C0950123, MeSH D030342.

Submissions (2):

Labcorp Genetics (formerly Invitae), Labcorp
Classification: Uncertain significance for Glanzmann thrombasthenia. Last evaluated: 2025-07-13. Review status: criteria provided, single submitter. Criteria: Invitae Variant Classification Sherloc (09022015). Collection method: clinical testing. Allele origin: germline.
Comment: This sequence change replaces proline, which is neutral and non-polar, with leucine, which is neutral and non-polar, at codon 772 of the ITGA2B protein (p.Pro772Leu). This variant is present in population databases (rs531356248, gnomAD 0.006%). This variant has not been reported in the literature in individuals affected with ITGA2B-related conditions. ClinVar contains an entry for this variant (Variation ID: 3111197). Invitae Evidence Modeling of protein sequence and biophysical properties (such as structural, functional, and spatial information, amino acid conservation, physicochemical variation, residue mobility, and thermodynamic stability) has been performed for this missense variant. However, the output from this modeling did not meet the statistical confidence thresholds required to predict the impact of this variant on ITGA2B protein function. In summary, the available evidence is currently insufficient to determine the role of this variant in disease. Therefore, it has been classified as a Variant of Uncertain Significance.

Ambry Genetics
Classification: Uncertain significance for Inborn genetic diseases. Last evaluated: 2024-02-22. Review status: criteria provided, single submitter. Criteria: Ambry Variant Classification Scheme 2023. Collection method: clinical testing. Allele origin: germline.

NM_000419.5(ITGA2B):c.2315C>T (p.Pro772Leu)

Gene: ITGA2B (integrin subunit alpha 2b; minus strand). Cytogenetic location: 17q21.31.
Variant type: single nucleotide variant.
Coding change: c.2315C>T on transcript NM_000419.5 (MANE Select); coding-DNA position 2315, C replaced by T.
Protein change: p.Pro772Leu; replaces proline 772 with leucine.
Molecular consequence: missense variant.
Genome position (GRCh38, 1-based): chr17:44,376,341, G>A on the plus strand (C>T on the coding strand, the complement: ITGA2B is on the minus strand). VCF-style: chr17-44376341-G-A. GRCh37 (hg19) VCF-style: chr17-42453709-G-A.
Other names: short protein forms P772L.
Identifiers: ClinVar variation 3111197 (VCV003111197.2), dbSNP rs531356248, ClinGen allele CA8602741.